The following is an entry in ClinVar:

NM_032444.4(SLX4):c.3446A>G (p.Asp1149Gly)

Gene: SLX4 (SLX4 structure-specific endonuclease subunit; minus strand). Cytogenetic location: 16p13.3.
Variant type: single nucleotide variant.
Coding change: c.3446A>G on transcript NM_032444.4 (MANE Select); coding-DNA position 3446, A replaced by G.
Protein change: p.Asp1149Gly; replaces aspartic acid 1149 with glycine.
Molecular consequence: missense variant.
Genome position (GRCh38, 1-based): chr16:3,590,192, T>C on the plus strand (A>G on the coding strand, the complement: SLX4 is on the minus strand). VCF-style: chr16-3590192-T-C. GRCh37 (hg19) VCF-style: chr16-3640193-T-C.
Other names: short protein forms D1149G.
Identifiers: ClinVar variation 937897 (VCV000937897.9), dbSNP rs2040566610, ClinGen allele CA394520121.

ClinVar aggregate classification (germline): Uncertain significance (1 of 4 stars; one submission).

Conditions:
Fanconi anemia (FA). Also called: Fanconi's anemia. Identifiers: Orphanet 84, MedGen C0015625, MeSH D005199, MONDO:0019391.

Submission:

Labcorp Genetics (formerly Invitae), Labcorp
Classification: Uncertain significance for Fanconi anemia. Last evaluated: 2019-09-02. Review status: criteria provided, single submitter. Criteria: Invitae Variant Classification Sherloc (09022015). Collection method: clinical testing. Allele origin: germline.
Comment: Algorithms developed to predict the effect of missense changes on protein structure and function output the following: SIFT: "Tolerated"; PolyPhen-2: "Benign"; Align-GVGD: "Class C0". The glycine amino acid residue is found in multiple mammalian species, suggesting that this missense change does not adversely affect protein function. These predictions have not been confirmed by published functional studies and their clinical significance is uncertain. This variant has not been reported in the literature in individuals with SLX4-related conditions. This variant is not present in population databases (ExAC no frequency). This sequence change replaces aspartic acid with glycine at codon 1149 of the SLX4 protein (p.Asp1149Gly). The aspartic acid residue is weakly conserved and there is a moderate physicochemical difference between aspartic acid and glycine. Algorithms developed to predict the effect of sequence changes on RNA splicing suggest that this variant may create or strengthen a splice site, but this prediction has not been confirmed by published transcriptional studies. In summary, the available evidence is currently insufficient to determine the role of this variant in disease. Therefore, it has been classified as a Variant of Uncertain Significance.